The following is an entry in ClinVar:

ClinVar aggregate classification (germline): Uncertain significance. Review status: criteria provided, multiple submitters, no conflicts (2 of 4 stars). 2 submissions from 2 submitters: Uncertain significance (2). Last evaluated 2025-12-22.

Conditions:
Hereditary cancer-predisposing syndrome. Also called: Neoplastic Syndromes, Hereditary; Tumor predisposition; Hereditary Cancer Syndrome; Hereditary neoplastic syndrome. Identifiers: Orphanet 140162, MedGen C0027672, MeSH D009386, MONDO:0015356.

Submissions (2):

Ambry Genetics
Classification: Uncertain significance for Hereditary cancer-predisposing syndrome. Last evaluated: 2025-12-22. Review status: criteria provided, single submitter. Criteria: Ambry Variant Classification Scheme 2023. Collection method: clinical testing. Allele origin: germline.
Comment: The p.T793R variant (also known as c.2378C>G), located in coding exon 14 of the RAD50 gene, results from a C to G substitution at nucleotide position 2378. The threonine at codon 793 is replaced by arginine, an amino acid with similar properties. This amino acid position is conserved. In addition, the in silico prediction for this alteration is inconclusive. Since supporting evidence is limited at this time, the clinical significance of this alteration remains unclear.

Labcorp Genetics (formerly Invitae), Labcorp
Classification: Uncertain significance for Hereditary cancer-predisposing syndrome. Last evaluated: 2025-09-22. Review status: criteria provided, single submitter. Criteria: Invitae Variant Classification Sherloc (09022015). Collection method: clinical testing. Allele origin: germline.
Comment: This sequence change replaces threonine, which is neutral and polar, with arginine, which is basic and polar, at codon 793 of the RAD50 protein (p.Thr793Arg). This variant is not present in population databases (gnomAD no frequency). This variant has not been reported in the literature in individuals affected with RAD50-related conditions. ClinVar contains an entry for this variant (Variation ID: 1498176). Invitae Evidence Modeling of protein sequence and biophysical properties (such as structural, functional, and spatial information, amino acid conservation, physicochemical variation, residue mobility, and thermodynamic stability) indicates that this missense variant is not expected to disrupt RAD50 protein function with a negative predictive value of 80%. In summary, the available evidence is currently insufficient to determine the role of this variant in disease. Therefore, it has been classified as a Variant of Uncertain Significance.

NM_005732.4(RAD50):c.2378C>G (p.Thr793Arg)

Gene: RAD50 (RAD50 double strand break repair protein; plus strand). Cytogenetic location: 5q31.1.
Variant type: single nucleotide variant.
Coding change: c.2378C>G on transcript NM_005732.4 (MANE Select); coding-DNA position 2378, C replaced by G.
Protein change: p.Thr793Arg; replaces threonine 793 with arginine.
Molecular consequence: missense variant.
Genome position (GRCh38, 1-based): chr5:132,603,470, C>G. VCF-style: chr5-132603470-C-G. GRCh37 (hg19) VCF-style: chr5-131939162-C-G.
Other names: c.2378C>G (NM_005732.3); short protein forms T793R.
Identifiers: ClinVar variation 1498176 (VCV001498176.8), dbSNP rs876660104, ClinGen allele CA360955051.
Genomic context (GRCh38, chr5:132,603,470, plus strand): 5'-CACTCTTGGGTACAATAATGCCTGAAGAAGAAAGTGCCAAAGTATGCCTGACAGATGTTA[C>G]AATTATGGAGAGGTTCCAGGTAAGTTTATTGTAGTTTAAGGCAGAATAAAACTTGTTCCA-3'
Protein context (NP_005723.2, residues 783-803): ESAKVCLTDV[Thr793Arg]IMERFQMELK